The following is an entry in ClinVar:

NM_014915.3(ANKRD26):c.2282A>G (p.Asn761Ser)

Gene: ANKRD26 (ankyrin repeat domain 26; minus strand). Cytogenetic location: 10p12.1.
Variant type: single nucleotide variant.
Coding change: c.2282A>G on transcript NM_014915.3 (MANE Select); coding-DNA position 2282, A replaced by G.
Protein change: p.Asn761Ser; replaces asparagine 761 with serine.
Molecular consequence: missense variant.
Genome position (GRCh38, 1-based): chr10:27,040,058, T>C on the plus strand (A>G on the coding strand, the complement: ANKRD26 is on the minus strand). VCF-style: chr10-27040058-T-C. GRCh37 (hg19) VCF-style: chr10-27328987-T-C.
Other names: c.2279A>G, p.Asn760Ser (NM_001256053.2); short protein forms N760S, N761S.
Identifiers: ClinVar variation 3020145 (VCV003020145.4), dbSNP rs1445086734, ClinGen allele CA376367461.

ClinVar aggregate classification (germline): Uncertain significance. Review status: criteria provided, multiple submitters, no conflicts (2 of 4 stars). 2 submissions from 2 submitters: Uncertain significance (2). Last evaluated 2023-12-10.

Allele frequency attached by ClinVar (database versions not stated): gnomAD exomes below 0.00001; TOPMed below 0.00001.
gnomAD v4.1: 5 of 1,613,624 alleles (0.00031%); highest among the groups gnomAD compares: Non-Finnish European, 0.00042%; no homozygotes.

Submissions (2):

GeneDx
Classification: Uncertain significance. Last evaluated: 2023-12-10. Review status: criteria provided, single submitter. Criteria: GeneDx Variant Classification Process June 2021. Collection method: clinical testing. Allele origin: germline. Affected: yes.
Comment: Not observed at significant frequency in large population cohorts (gnomAD); In silico analysis supports that this variant has a deleterious effect on splicing; In silico analysis supports that this missense variant does not alter protein structure/function; Has not been previously published as pathogenic or benign to our knowledge

Labcorp Genetics (formerly Invitae), Labcorp
Classification: Uncertain significance. Last evaluated: 2023-08-01. Review status: criteria provided, single submitter. Criteria: Invitae Variant Classification Sherloc (09022015). Collection method: clinical testing. Allele origin: germline.
Comment: Algorithms developed to predict the effect of sequence changes on RNA splicing suggest that this variant may disrupt the consensus splice site. Algorithms developed to predict the effect of missense changes on protein structure and function output the following: SIFT: "Not Available"; PolyPhen-2: "Benign"; Align-GVGD: "Not Available". The serine amino acid residue is found in multiple mammalian species, which suggests that this missense change does not adversely affect protein function. This variant has not been reported in the literature in individuals affected with ANKRD26-related conditions. The frequency data for this variant in the population databases is considered unreliable, as metrics indicate poor data quality at this position in the gnomAD database. This sequence change replaces asparagine, which is neutral and polar, with serine, which is neutral and polar, at codon 761 of the ANKRD26 protein (p.Asn761Ser). In summary, the available evidence is currently insufficient to determine the role of this variant in disease. Therefore, it has been classified as a Variant of Uncertain Significance.